The following is an entry in ClinVar:

NM_004006.3(DMD):c.4852C>G (p.Gln1618Glu)

Gene: DMD (dystrophin; minus strand). Cytogenetic location: Xp21.1.
Variant type: single nucleotide variant.
Coding change: c.4852C>G on transcript NM_004006.3 (MANE Select); coding-DNA position 4852, C replaced by G.
Protein change: p.Gln1618Glu; replaces glutamine 1618 with glutamic acid.
Molecular consequence: missense variant.
Genome position (GRCh38, 1-based): chrX:32,365,193, G>C on the plus strand (C>G on the coding strand, the complement: DMD is on the minus strand). VCF-style: chrX-32365193-G-C. GRCh37 (hg19) VCF-style: chrX-32383310-G-C.
Other names: c.4828C>G, p.Gln1610Glu (NM_000109.4); c.4840C>G, p.Gln1614Glu (NM_004009.3); c.4483C>G, p.Gln1495Glu (NM_004010.3); c.829C>G, p.Gln277Glu (NM_004011.4); c.820C>G, p.Gln274Glu (NM_004012.4); short protein forms Q1618E, Q1610E, Q1495E, Q274E, Q1614E, Q277E.
Identifiers: ClinVar variation 426279 (VCV000426279.4), dbSNP rs1085307535, ClinGen allele CA412672626.

ClinVar aggregate classification (germline): Uncertain significance. Review status: criteria provided, multiple submitters, no conflicts (2 of 4 stars). 3 submissions from 3 submitters: Uncertain significance (2). 1 of the submissions does not count toward it. Last evaluated 2025-04-28.

Conditions:
Becker muscular dystrophy (BMD). Also called: MUSCULAR DYSTROPHY, PSEUDOHYPERTROPHIC PROGRESSIVE, BECKER TYPE; Becker Muscular Dystrophy (BMD). Identifiers: Orphanet 98895, MedGen C0917713, MONDO:0010311, OMIM 300376.
Cardiomyopathy (CMYO). Also called: Cardiomyopathies. Identifiers: Orphanet 167848, MedGen C0878544, MONDO:0004994, HP:0001638. Inheritance: Various modes of inheritance.
Duchenne muscular dystrophy (DMD). Also called: MUSCULAR DYSTROPHY, PSEUDOHYPERTROPHIC PROGRESSIVE, DUCHENNE TYPE; Duchenne Muscular Dystrophy (DMD). Identifiers: Orphanet 98896, MedGen C0013264, MONDO:0010679, OMIM 310200.
Dystrophin deficiency.

Allele frequency attached by ClinVar (database versions not stated): TOPMed below 0.00001.

Submissions (3):

Labcorp Genetics (formerly Invitae), Labcorp
Classification: Uncertain significance for Duchenne muscular dystrophy. Last evaluated: 2025-04-28. Review status: criteria provided, single submitter. Criteria: Invitae Variant Classification Sherloc (09022015). Collection method: clinical testing. Allele origin: germline.
Comment: This sequence change replaces glutamine, which is neutral and polar, with glutamic acid, which is acidic and polar, at codon 1618 of the DMD protein (p.Gln1618Glu). This variant is not present in population databases (gnomAD no frequency). This variant has not been reported in the literature in individuals affected with DMD-related conditions. ClinVar contains an entry for this variant (Variation ID: 426279). Invitae Evidence Modeling of protein sequence and biophysical properties (such as structural, functional, and spatial information, amino acid conservation, physicochemical variation, residue mobility, and thermodynamic stability) indicates that this missense variant is not expected to disrupt DMD protein function with a negative predictive value of 95%. In summary, the available evidence is currently insufficient to determine the role of this variant in disease. Therefore, it has been classified as a Variant of Uncertain Significance.

GeneDx
Classification: Uncertain significance. Last evaluated: 2017-04-21. Review status: criteria provided, single submitter. Criteria: GeneDx Variant Classification (06012015). Collection method: clinical testing. Allele origin: germline. Affected: yes.
Comment: A variant of uncertain significance has been identified in the DMD gene. The Q1618E variant has not been published as pathogenic or been reported as benign to our knowledge. This variant is not observed in large population cohorts (Lek et al., 2016; 1000 Genomes Consortium et al., 2015; Exome Variant Server). The Q1618E variant is a semi-conservative amino acid substitution, which may impact secondary protein structure as these residues differ in some properties. However, this substitution occurs at a position that is only conserved in mammals and in silico analysis is inconsistent in its predictions as to whether or not the variant is damaging to the protein structure/function.

Natera, Inc.
Classification: Uncertain significance for Becker muscular dystrophy; Cardiomyopathy; Duchenne muscular dystrophy; Dystrophin deficiency. Last evaluated: 2021-06-08. Review status: no assertion criteria provided. Collection method: clinical testing. Allele origin: germline. Not counted in ClinVar's aggregate classification.